The following is an entry in ClinVar:

ClinVar aggregate classification (germline): Uncertain significance (1 of 4 stars; one submission).

Conditions:
Facioscapulohumeral muscular dystrophy 2 (FSHD2). Also called: MUSCULAR DYSTROPHY, FACIOSCAPULOHUMERAL, TYPE 1B; FACIOSCAPULOHUMERAL MUSCULAR DYSTROPHY 2, DIGENIC; FSHD2, DIGENIC. Identifiers: Orphanet 269, MedGen C1834671, MONDO:0008031, OMIM 158901.

Allele frequency attached by ClinVar (database versions not stated): gnomAD exomes below 0.00001; gnomAD 0.00001.
gnomAD v4.1: 6 of 1,613,748 alleles (0.00037%); highest among the groups gnomAD compares: Middle Eastern, 0.016%; no homozygotes.

Submission:

Labcorp Genetics (formerly Invitae), Labcorp
Classification: Uncertain significance for Facioscapulohumeral muscular dystrophy 2. Last evaluated: 2023-08-27. Review status: criteria provided, single submitter. Criteria: Invitae Variant Classification Sherloc (09022015). Collection method: clinical testing. Allele origin: germline.
Comment: In summary, the available evidence is currently insufficient to determine the role of this variant in disease. Therefore, it has been classified as a Variant of Uncertain Significance. Advanced modeling of protein sequence and biophysical properties (such as structural, functional, and spatial information, amino acid conservation, physicochemical variation, residue mobility, and thermodynamic stability) performed at Invitae indicates that this missense variant is not expected to disrupt SMCHD1 protein function. ClinVar contains an entry for this variant (Variation ID: 1491483). This variant has not been reported in the literature in individuals affected with SMCHD1-related conditions. This variant is present in population databases (rs561778813, gnomAD 0.0009%). This sequence change replaces phenylalanine, which is neutral and non-polar, with leucine, which is neutral and non-polar, at codon 1042 of the SMCHD1 protein (p.Phe1042Leu).

NM_015295.3(SMCHD1):c.3124T>C (p.Phe1042Leu)

Gene: SMCHD1 (structural maintenance of chromosomes flexible hinge domain containing 1; plus strand). Cytogenetic location: 18p11.32.
Variant type: single nucleotide variant.
Coding change: c.3124T>C on transcript NM_015295.3 (MANE Select); coding-DNA position 3124, T replaced by C.
Protein change: p.Phe1042Leu; replaces phenylalanine 1042 with leucine.
Molecular consequence: missense variant.
Genome position (GRCh38, 1-based): chr18:2,732,340, T>C. VCF-style: chr18-2732340-T-C. GRCh37 (hg19) VCF-style: chr18-2732338-T-C.
Other names: short protein forms F1042L.
Identifiers: ClinVar variation 1491483 (VCV001491483.6), dbSNP rs561778813, ClinGen allele CA8871139.